The following is an entry in ClinVar:

NM_001388303.1(HECTD4):c.9594C>G (p.Ser3198=)

Gene: HECTD4 (HECT domain E3 ubiquitin protein ligase 4; minus strand). Cytogenetic location: 12q24.13.
Variant type: single nucleotide variant.
Coding change: c.9594C>G on transcript NM_001388303.1 (MANE Select); coding-DNA position 9594, C replaced by G.
Protein change: p.Ser3198=; no amino-acid change (serine 3198 retained).
Molecular consequence: synonymous variant.
Genome position (GRCh38, 1-based): chr12:112,185,372, G>C on the plus strand (C>G on the coding strand, the complement: HECTD4 is on the minus strand). VCF-style: chr12-112185372-G-C. GRCh37 (hg19) VCF-style: chr12-112623176-G-C.
Other names: c.9624C>G, p.Ser3208= (NM_001109662.4).
Identifiers: ClinVar variation 4084144 (VCV004084144.8).

ClinVar aggregate classification (germline): Likely benign (1 of 4 stars; one submission).

gnomAD v4.1: 11 of 1,610,224 alleles (0.00068%); highest among the groups gnomAD compares: African/African-American, 0.004%; no homozygotes.

Submission:

CeGaT Center for Human Genetics Tuebingen
Classification: Likely benign. Last evaluated: 2025-07-01. Review status: criteria provided, single submitter. Criteria: CeGaT Center For Human Genetics Tuebingen Variant Classification Criteria Version 2. Collection method: clinical testing. Allele origin: germline. Affected: yes. Observed: 1 variant allele.
Comment: HECTD4: BP4, BP7